The following is an entry in ClinVar:

ClinVar aggregate classification (germline): Uncertain significance (1 of 4 stars; one submission).

Allele frequency attached by ClinVar (database versions not stated): gnomAD exomes below 0.00001.
gnomAD v4.1: 1 of 1,612,518 alleles (0.000062%); highest among the groups gnomAD compares: Non-Finnish European, 0.000085%; no homozygotes.

Submission:

Labcorp Genetics (formerly Invitae), Labcorp
Classification: Uncertain significance. Last evaluated: 2022-04-19. Review status: criteria provided, single submitter. Criteria: Invitae Variant Classification Sherloc (09022015). Collection method: clinical testing. Allele origin: germline.
Comment: In summary, the available evidence is currently insufficient to determine the role of this variant in disease. Therefore, it has been classified as a Variant of Uncertain Significance. Algorithms developed to predict the effect of missense changes on protein structure and function are either unavailable or do not agree on the potential impact of this missense change (SIFT: "Deleterious"; PolyPhen-2: "Benign"; Align-GVGD: "Class C0"). This variant has not been reported in the literature in individuals affected with ADGRV1-related conditions. This variant is not present in population databases (gnomAD no frequency). This sequence change replaces isoleucine, which is neutral and non-polar, with threonine, which is neutral and polar, at codon 890 of the ADGRV1 protein (p.Ile890Thr).

NM_032119.4(ADGRV1):c.2669T>C (p.Ile890Thr)

Gene: ADGRV1 (adhesion G protein-coupled receptor V1; plus strand). Cytogenetic location: 5q14.3.
Variant type: single nucleotide variant.
Coding change: c.2669T>C on transcript NM_032119.4 (MANE Select); coding-DNA position 2669, T replaced by C.
Protein change: p.Ile890Thr; replaces isoleucine 890 with threonine.
Molecular consequence: missense variant. On other transcripts: non-coding transcript variant (1).
Genome position (GRCh38, 1-based): chr5:90,643,918, T>C. VCF-style: chr5-90643918-T-C. GRCh37 (hg19) VCF-style: chr5-89939735-T-C.
Other names: short protein forms I890T.
Identifiers: ClinVar variation 1944670 (VCV001944670.4), dbSNP rs2531990596, ClinGen allele CA360390134.